The following is an entry in ClinVar:

NM_000059.4(BRCA2):c.6778G>A (p.Glu2260Lys)

Gene: BRCA2 (BRCA2 DNA repair associated; plus strand). Cytogenetic location: 13q13.1.
Variant type: single nucleotide variant.
Coding change: c.6778G>A on transcript NM_000059.4 (MANE Select); coding-DNA position 6778, G replaced by A.
Protein change: p.Glu2260Lys; replaces glutamic acid 2260 with lysine.
Molecular consequence: missense variant.
Genome position (GRCh38, 1-based): chr13:32,341,133, G>A. VCF-style: chr13-32341133-G-A. GRCh37 (hg19) VCF-style: chr13-32915270-G-A.
Other names: short protein forms E2260K.
Identifiers: ClinVar variation 479334 (VCV000479334.18), dbSNP rs1555284853, ClinGen allele CA387791252.

ClinVar aggregate classification (germline): Conflicting classifications of pathogenicity. Review status: criteria provided, conflicting classifications (1 of 4 stars). 5 submissions from 5 submitters: Uncertain significance (4); Likely benign (1). Last evaluated 2025-12-01.

Conditions:
Hereditary cancer-predisposing syndrome. Also called: Neoplastic Syndromes, Hereditary; Hereditary Cancer Syndrome; Hereditary neoplastic syndrome; Tumor predisposition. Identifiers: Orphanet 140162, MedGen C0027672, MeSH D009386, MONDO:0015356.
Hereditary breast ovarian cancer syndrome. Also called: Hereditary breast and ovarian cancer syndrome (HBOC); Hereditary breast and ovarian cancer syndrome; Breast and ovarian cancer; BRCA1- and BRCA2-Associated Hereditary Breast and Ovarian Cancer; Hereditary breast and ovarian cancer; Hereditary breast and/or ovarian cancer syndrome. Identifiers: Orphanet 145, MedGen C0677776, MeSH D061325, MONDO:0003582. Disease mechanism: loss of function.
BRCA2-related cancer predisposition. Identifiers: MedGen CN377758, MONDO:0700269.

Submissions (5):

Women's Health and Genetics/Laboratory Corporation of America, LabCorp
Classification: Uncertain significance. Last evaluated: 2025-12-01. Review status: criteria provided, single submitter. Criteria: LabCorp Variant Classification Summary - May 2015. Collection method: clinical testing. Allele origin: germline.
Comment: Variant summary: BRCA2 c.6778G>A (p.Glu2260Lys) results in a conservative amino acid change in the encoded protein sequence. Algorithms developed to predict the effect of missense changes on protein structure and function all suggest that this variant is likely to be tolerated. The variant was absent in 251204 control chromosomes (gnomAD). The available data on variant occurrences in the general population are insufficient to allow any conclusion about variant significance. c.6778G>A has been observed in an individual affected with breast cancer (Fackenthal_2012). This report does not provide unequivocal conclusions about association of the variant with Hereditary Breast And Ovarian Cancer Syndrome. To our knowledge, no experimental evidence demonstrating an impact on protein function has been reported. The following publication has been ascertained in the context of this evaluation (PMID: 22034289). ClinVar contains an entry for this variant (Variation ID: 479334). Based on the evidence outlined above, the variant was classified as uncertain significance.

All of Us Research Program, National Institutes of Health
Classification: Uncertain significance for BRCA2-related cancer predisposition. Last evaluated: 2024-03-05. Review status: criteria provided, single submitter. Criteria: ACMG Guidelines, 2015. Collection method: clinical testing. Allele origin: germline. Inheritance: Autosomal dominant inheritance. Observed: 1 variant allele, 1 heterozygote.
Comment: This study involves interpretation of variants in research participants for the purpose of population health screening. Participant phenotype was not available at the time of variant classification. Additional details can be found in publication PMID: 35346344, PMCID: PMC8962531

University of Washington Department of Laboratory Medicine, University of Washington
Classification: Likely benign for Hereditary cancer-predisposing syndrome. Last evaluated: 2023-03-23. Review status: criteria provided, single submitter. Criteria: Dines et al. (Genet Med. 2020). Collection method: curation. Allele origin: germline.
Comment: Missense variant in a coldspot region where missense variants are very unlikely to be pathogenic (PMID:31911673).

BRCA2 exon 11 coldspot. Reclassification based on statistical prior probability.

Labcorp Genetics (formerly Invitae), Labcorp
Classification: Uncertain significance for Hereditary breast ovarian cancer syndrome. Last evaluated: 2019-10-17. Review status: criteria provided, single submitter. Criteria: Invitae Variant Classification Sherloc (09022015). Collection method: clinical testing. Allele origin: germline.
Comment: This sequence change replaces glutamic acid with lysine at codon 2260 of the BRCA2 protein (p.Glu2260Lys). The glutamic acid residue is weakly conserved and there is a small physicochemical difference between glutamic acid and lysine. This variant is not present in population databases (ExAC no frequency). This variant has been observed in an individual affected with breast cancer (PMID: 22034289). ClinVar contains an entry for this variant (Variation ID: 479334). Algorithms developed to predict the effect of missense changes on protein structure and function output the following: SIFT: "Tolerated"; PolyPhen-2: "Benign"; Align-GVGD: "Class C0". The lysine amino acid residue is found in multiple mammalian species, suggesting that this missense change does not adversely affect protein function. These predictions have not been confirmed by published functional studies and their clinical significance is uncertain. In summary, the available evidence is currently insufficient to determine the role of this variant in disease. Therefore, it has been classified as a Variant of Uncertain Significance.

Ambry Genetics
Classification: Uncertain significance for Hereditary cancer-predisposing syndrome. Last evaluated: 2016-06-30. Review status: criteria provided, single submitter. Criteria: Ambry Variant Classification Scheme 2023. Collection method: clinical testing. Allele origin: germline.
Comment: The p.E2260K variant (also known as c.6778G>A), located in coding exon 10 of the BRCA2 gene, results from a G to A substitution at nucleotide position 6778. The glutamic acid at codon 2260 is replaced by lysine, an amino acid with similar properties. In one study, this alteration was reported as a variant of uncertain significance in 1 of 434 Nigerian breast cancer patients (Fackenthal JD et al. Int. J. Cancer 2012 Sep; 131(5):1114-23). This variant was not reported in population based cohorts in the following databases: Database of Single Nucleotide Polymorphisms (dbSNP), NHLBI Exome Sequencing Project (ESP), and 1000 Genomes Project. In the ESP, this variant was not observed in 6502 samples (13004 alleles) with coverage at this position. To date, this alteration has been detected with an allele frequency of approximately 0.0003% (greater than 300000 alleles tested) in our clinical cohort. This amino acid position is not well conserved in available vertebrate species. In addition, this alteration is predicted to be benign and tolerated by PolyPhen and SIFT in silico analyses, respectively. Since supporting evidence is limited at this time, the clinical significance of this alteration remains unclear.

Literature cited by the submitters: PubMed 22034289 (cited by 3 submitters).